The following is an entry in ClinVar:

NM_000268.4(NF2):c.734A>T (p.Asp245Val)

Gene: NF2 (NF2, moesin-ezrin-radixin like (MERLIN) tumor suppressor; plus strand). Cytogenetic location: 22q12.2.
Variant type: single nucleotide variant.
Coding change: c.734A>T on transcript NM_000268.4 (MANE Select); coding-DNA position 734, A replaced by T.
Protein change: p.Asp245Val; replaces aspartic acid 245 with valine.
Molecular consequence: missense variant. On other transcripts: non-coding transcript variant (1), intron variant (4).
Genome position (GRCh38, 1-based): chr22:29,661,263, A>T. VCF-style: chr22-29661263-A-T. GRCh37 (hg19) VCF-style: chr22-30057252-A-T.
Other names: c.620A>T, p.Asp207Val (NM_001407053.1, NM_001407056.1); c.611A>T, p.Asp204Val (NM_001407054.1, NM_001407058.1, NM_181829.3); c.608A>T, p.Asp203Val (NM_001407055.1, NM_181828.3); c.734A>T, p.Asp245Val (NM_001407060.1, NM_001407066.1, NM_016418.5 and 2 more transcripts); c.485A>T, p.Asp162Val (NM_001407063.1, NM_001407064.1, NM_181830.3 and 1 more transcripts); c.200A>T, p.Asp67Val (NM_001407065.1); c.503A>T, p.Asp168Val (NM_001407067.1); c.675+2999A>T (NM_001407059.1, NM_001407057.1); and 2 more; short protein forms D162V, D168V, D203V, D204V, D207V, D245V, D67V.
Identifiers: ClinVar variation 3231108 (VCV003231108.1), dbSNP rs2147009125, ClinGen allele CA411143853.

ClinVar aggregate classification (germline): Uncertain significance (1 of 4 stars; one submission).

Conditions:
Hereditary cancer-predisposing syndrome. Also called: Neoplastic Syndromes, Hereditary; Tumor predisposition; Hereditary neoplastic syndrome; Hereditary Cancer Syndrome. Identifiers: Orphanet 140162, MedGen C0027672, MeSH D009386, MONDO:0015356.

Submission:

Ambry Genetics
Classification: Uncertain significance for Hereditary cancer-predisposing syndrome. Last evaluated: 2023-11-21. Review status: criteria provided, single submitter. Criteria: Ambry Variant Classification Scheme 2023. Collection method: clinical testing. Allele origin: germline.
Comment: The p.D245V variant (also known as c.734A>T), located in coding exon 8 of the NF2 gene, results from an A to T substitution at nucleotide position 734. The aspartic acid at codon 245 is replaced by valine, an amino acid with highly dissimilar properties. This amino acid position is conserved. In addition, this alteration is predicted to be deleterious by in silico analysis. Since supporting evidence is limited at this time, the clinical significance of this alteration remains unclear.